The following is an entry in ClinVar:

NM_015506.3(MMACHC):c.82-11_82-8del

Gene: MMACHC (metabolism of cobalamin associated C; plus strand). Cytogenetic location: 1p34.1.
Variant type: Deletion.
Coding change: c.82-11_82-8del on transcript NM_015506.3 (MANE Select); 11 bases into the intron before coding-DNA position 82 through 8 bases into the intron before coding-DNA position 82, 4 bases deleted (TTCT; older notation c.82-11_82-8delTTCT).
Molecular consequence: intron variant. On other transcripts: 5 prime UTR variant (1).
Genome position (GRCh38, 1-based): chr1:45,507,345-45,507,348, TTCT deleted; deleting any 4 consecutive bases within chr1:45,507,343-45,507,348 gives the same sequence; the c. name uses the placement nearest the transcript's 3' end. VCF-style (leftmost placement, unchanged base first): chr1-45507342-ACTTT-A. GRCh37 (hg19) VCF-style: chr1-45973014-ACTTT-A.
Other names: c.-101_-98del (NM_001330540.2); c.82-11_82-8delTTCT (NM_015506.2).
Identifiers: ClinVar variation 438649 (VCV000438649.15), dbSNP rs751236442, ClinGen allele CA827635.
Genomic context (GRCh38, chr1:45,507,342, plus strand): 5'-CTGAAGGTTAAGGTGTGGGCCAGGCTGAGGCCTAGACTGGCCCTCTCCAGCCTGGCCTGA[ACTTT>A]CTGTTTCAGGTGGCATGGTACAATGAACTCTTGCCTCCAGCCTTCCACCTACCGCTGCCA-3'

ClinVar aggregate classification (germline): Conflicting classifications of pathogenicity. Review status: criteria provided, conflicting classifications (1 of 4 stars). 8 submissions from 8 submitters: Pathogenic (2); Likely pathogenic (2); Uncertain significance (1). 3 of the submissions do not count toward it. Last evaluated 2026-08-06.

Conditions:
Likely inborn error of metabolism.
Cobalamin C disease. Also called: Methylmalonic aciduria and homocystinuria, Vitamin B12-responsive; Vitamin B12 metabolic defect with combined deficiency of methylmalonyl-CoA mutase and homocysteine:methyltetrahydrofolate methyltransferase; methylmalonic aciduria and homocystinuria type cblC; Methylmalonic aciduria with homocystinuria cblC type; Cobalamin-C methylmalonic acidemia and homocystinuria; Methylmalonic acidemia and homocystinuria cblC type. Identifiers: Orphanet 26, Orphanet 79282, MedGen C1848561, MONDO:0010184, OMIM 277400.

Submissions (8):

NHS Central & South Genomic Laboratory Hub
Classification: Pathogenic for Likely inborn error of metabolism. Last evaluated: 2026-08-06. Review status: criteria provided, single submitter. Criteria: ACMG Guidelines, 2015. Collection method: clinical testing. Allele origin: germline. Affected: yes.

Natera, Inc.
Classification: Pathogenic for Methylmalonic aciduria and homocystinuria cblC type. Last evaluated: 2026-01-06. Review status: criteria provided, single submitter. Criteria: Natera Variant Classification Schema (03/2026). Collection method: clinical testing. Allele origin: germline.
Comment: The c.82-11_82-8delTTCT variant in MMACHC is a deletion variant affecting an intron. This variant is rare in the general population with a frequency below the threshold expected for the associated phenotype(s). This variant has been observed in one or more individuals affected with the associated recessive disease, as either homozygous or compound heterozygous with a second variant (PMID: 16311595, 30197982). Additionally, this variant has been observed to segregate in affected family members (PMID: 30197982). Given the available evidence, this variant is classified as Pathogenic.

Fulgent Genetics
Classification: Likely pathogenic for Cobalamin C disease. Last evaluated: 2024-05-30. Review status: criteria provided, single submitter. Criteria: ACMG Guidelines, 2015. Collection method: clinical testing. Allele origin: germline.

Labcorp Genetics (formerly Invitae), Labcorp
Classification: Likely pathogenic for Cobalamin C disease. Last evaluated: 2024-02-16. Review status: criteria provided, single submitter. Criteria: Invitae Variant Classification Sherloc (09022015). Collection method: clinical testing. Allele origin: germline.
Comment: This sequence change falls in intron 1 of the MMACHC gene. It does not directly change the encoded amino acid sequence of the MMACHC protein. This variant is present in population databases (rs751236442, gnomAD 0.002%). This variant has been observed in individual(s) with methylmalonic aciduria and homocystinuria (PMID: 16311595, 16714133; Invitae). This variant is also known as c.82-9_12delTTTC. ClinVar contains an entry for this variant (Variation ID: 438649). Algorithms developed to predict the effect of sequence changes on RNA splicing suggest that this variant may disrupt the consensus splice site. In summary, the currently available evidence indicates that the variant is pathogenic, but additional data are needed to prove that conclusively. Therefore, this variant has been classified as Likely Pathogenic.

Blueprint Genetics
Classification: Uncertain significance. Last evaluated: 2023-04-27. Review status: criteria provided, single submitter. Criteria: ACMG Guidelines, 2015. Collection method: clinical testing. Allele origin: germline.

Bioscientia Institut fuer Medizinische Diagnostik GmbH, Sonic Healthcare
Classification: Pathogenic for Cobalamin C disease. Last evaluated: 2017-04-20. Review status: no assertion criteria provided. Collection method: clinical testing. Allele origin: germline. Affected: yes. Not counted in ClinVar's aggregate classification.

Genome-Nilou Lab
Classification: Uncertain significance for Cobalamin C disease. Last evaluated: 2023-04-11. Review status: flagged submission. Criteria: ACMG Guidelines, 2015. Collection method: clinical testing. Allele origin: germline. Affected: no. Not counted in ClinVar's aggregate classification.
ClinVar note: Reason: Outlier claim with insufficient supporting evidence

Counsyl
Classification: Uncertain significance for Cobalamin C disease. Last evaluated: 2018-05-23. Review status: flagged submission. Collection method: clinical testing. Allele origin: unknown. Not counted in ClinVar's aggregate classification.
ClinVar note: Reason: Outlier claim with insufficient supporting evidence

Literature cited by the submitters: PubMed 16311595 (cited by 3 submitters); PubMed 30197982 (cited by Natera, Inc.); PubMed 16714133 (cited by Labcorp Genetics (formerly Invitae), Labcorp and Counsyl).